The following is an entry in ClinVar:

GRCh38/hg38 17p12(chr17:14190000-15565000)x3

Genes: CDRT15 (CMT1A duplicated region transcript 15; minus strand), CDRT3 (CMT1A duplicated region transcript 3; minus strand), CDRT4 (CMT1A duplicated region transcript 4; minus strand), CDRT7 (CMT1A duplicated region transcript 7; plus strand), CDRT8 (CMT1A duplicated region transcript 8; minus strand) and 24 more. Cytogenetic location: 17p12.
Variant type: copy number gain.
Change: copy number 3 (three copies instead of two) of chr17:14,190,000-15,565,000 (1.38 Mb, GRCh38 coordinates, 1-based), cytogenetic band 17p12.
Identifiers: ClinVar variation 4888405 (VCV004888405.1).

ClinVar aggregate classification (germline): Pathogenic (1 of 4 stars; one submission).

Conditions:
Charcot-Marie-Tooth disease, type IA (CMT1A). Also called: CHARCOT-MARIE-TOOTH DISEASE, DEMYELINATING, TYPE 1A; CHARCOT-MARIE-TOOTH DISEASE, AUTOSOMAL DOMINANT, WITH FOCALLY FOLDED MYELIN SHEATHS, TYPE 1A; CHARCOT-MARIE-TOOTH NEUROPATHY, TYPE 1A; HEREDITARY MOTOR AND SENSORY NEUROPATHY IA; Charcot-Marie-Tooth disease type 1A; CMT 1A. Identifiers: Orphanet 101081, MedGen C0270911, MONDO:0007309, OMIM 118220.

Submission:

New York Genome Center
Classification: Pathogenic for Charcot-Marie-Tooth disease, type IA. Last evaluated: 2023-11-17. Review status: criteria provided, single submitter. Criteria: NYGC Assertion Criteria 2020. Collection method: clinical testing. Allele origin: inherited. Observed: 1 variant allele.
Comment: An approximately 1.4Mb inherited duplication was identified on the short arm of chromosome 17 (17p12). The duplicated region contains PMP22 gene associated with Charcot-Marie-Tooth disease, type 1A [MIM#118220; AD]. This recurrent duplication is known as “17p12 recurrent (HNPP/CMT1A) region (includes PMP22)” and is associated with Charcot-Marie-Tooth type 1A (CMT1A) which is characterized by slowly progressive distal muscles atrophy and weakness, pes cavus foot deformity, bilateral foot drop, hearing loss, hip dysplasia, and additional clinical findings [PMID:20301532]. The disorder is thought to be nearly completely penetrant, but age of onset (5 to 25 years) and variable clinical severity has been documented [PMID: 20301532]. Less than 5% of patients became wheelchair dependent [PMID: 20301532]. Approximately 67-80% of recurrent 17p12 (PMP22) region duplications are inherited. The duplicated region has been curated by ClinGen to have “sufficient evidence for triplosensitivity”. Based on available evidence this ~1.4Mb inherited duplication at 17p12 is classified as Pathogenic.